The following is an entry in ClinVar:

ClinVar aggregate classification (germline): Uncertain significance (1 of 4 stars; one submission).

Conditions:
Breast-ovarian cancer, familial, susceptibility to, 4. Identifiers: Orphanet 145, MedGen C3280345, MONDO:0013669, OMIM 614291.

Submission:

Labcorp Genetics (formerly Invitae), Labcorp
Classification: Uncertain significance for Breast-ovarian cancer, familial, susceptibility to, 4. Last evaluated: 2024-11-09. Review status: criteria provided, single submitter. Criteria: Invitae Variant Classification Sherloc (09022015). Collection method: clinical testing. Allele origin: germline.
Comment: This sequence change replaces glutamine, which is neutral and polar, with arginine, which is basic and polar, at codon 155 of the RAD51D protein (p.Gln155Arg). This variant is not present in population databases (gnomAD no frequency). This variant has not been reported in the literature in individuals affected with RAD51D-related conditions. ClinVar contains an entry for this variant (Variation ID: 850202). An algorithm developed to predict the effect of missense changes on protein structure and function (PolyPhen-2) suggests that this variant is likely to be tolerated. In summary, the available evidence is currently insufficient to determine the role of this variant in disease. Therefore, it has been classified as a Variant of Uncertain Significance.

NM_002878.4(RAD51D):c.464A>G (p.Gln155Arg)

Genes: RAD51D (RAD51 paralog D; minus strand), RAD51L3-RFFL (RAD51L3-RFFL readthrough; minus strand). Cytogenetic location: 17q12.
Variant type: single nucleotide variant.
Coding change: c.464A>G on transcript NM_002878.4 (MANE Select); coding-DNA position 464, A replaced by G.
Protein change: p.Gln155Arg; replaces glutamine 155 with arginine.
Molecular consequence: missense variant. On other transcripts: non-coding transcript variant (1), intron variant (1).
Genome position (GRCh38, 1-based): chr17:35,107,004, T>C on the plus strand (A>G on the coding strand, the complement: RAD51D is on the minus strand). VCF-style: chr17-35107004-T-C. GRCh37 (hg19) VCF-style: chr17-33434023-T-C.
Other names: c.524A>G, p.Gln175Arg (NM_001142571.2); c.145-523A>G (NM_133629.3); short protein forms Q155R, Q175R.
Identifiers: ClinVar variation 850202 (VCV000850202.8), dbSNP rs2091612704, ClinGen allele CA399089179.